The following is an entry in ClinVar:

ClinVar aggregate classification (germline): Benign/Likely benign. Review status: criteria provided, multiple submitters, no conflicts (2 of 4 stars). 3 submissions from 3 submitters: Benign (1); Likely benign (2). Last evaluated 2024-10-30.

Conditions:
Prostate cancer, hereditary, 9 (HPC9). Identifiers: Orphanet 1331, MedGen C1970250, MONDO:0012597, OMIM 610997.
Hereditary cancer-predisposing syndrome. Also called: Hereditary Cancer Syndrome; Neoplastic Syndromes, Hereditary; Tumor predisposition; Hereditary neoplastic syndrome. Identifiers: Orphanet 140162, MedGen C0027672, MeSH D009386, MONDO:0015356.

Allele frequency attached by ClinVar (database versions not stated): gnomAD exomes 0.00001; gnomAD 0.00002.

Submissions (3):

Myriad Genetics, Inc.
Classification: Benign for Prostate cancer, hereditary, 9. Last evaluated: 2024-10-30. Review status: criteria provided, single submitter. Criteria: Myriad Autosomal Dominant, Autosomal Recessive and X-Linked Classification Criteria (2023). Collection method: clinical testing. Allele origin: unknown.
Comment: This variant is considered benign. This variant is a silent/synonymous amino acid change and it is not expected to impact splicing.

Labcorp Genetics (formerly Invitae), Labcorp
Classification: Likely benign. Last evaluated: 2023-01-19. Review status: criteria provided, single submitter. Criteria: Invitae Variant Classification Sherloc (09022015). Collection method: clinical testing. Allele origin: germline.

Ambry Genetics
Classification: Likely benign for Hereditary cancer-predisposing syndrome. Last evaluated: 2022-04-04. Review status: criteria provided, single submitter. Criteria: Ambry Variant Classification Scheme 2023. Collection method: clinical testing. Allele origin: germline.

NM_006361.6(HOXB13):c.454C>T (p.Leu152=)

Gene: HOXB13 (homeobox B13; minus strand). Cytogenetic location: 17q21.32.
Variant type: single nucleotide variant.
Coding change: c.454C>T on transcript NM_006361.6 (MANE Select); coding-DNA position 454, C replaced by T.
Protein change: p.Leu152=; no amino-acid change (leucine 152 retained).
Molecular consequence: synonymous variant.
Genome position (GRCh38, 1-based): chr17:48,728,140, G>A on the plus strand (C>T on the coding strand, the complement: HOXB13 is on the minus strand). VCF-style: chr17-48728140-G-A. GRCh37 (hg19) VCF-style: chr17-46805502-G-A.
Identifiers: ClinVar variation 1084046 (VCV001084046.12), dbSNP rs140373548, ClinGen allele CA291350322.